The following is an entry in ClinVar:

NM_001042492.3(NF1):c.2256_2257del (p.Arg752fs)

Gene: NF1 (neurofibromin 1; plus strand). Cytogenetic location: 17q11.2.
Variant type: Microsatellite.
Coding change: c.2256_2257del on transcript NM_001042492.3 (MANE Select); coding-DNA positions 2256 to 2257, 2 bases deleted (AG; older notation c.2256_2257delAG).
Protein change: p.Arg752fs; shifts the reading frame from arginine 752.
Molecular consequence: frameshift variant.
Genome position (GRCh38, 1-based): chr17:31,227,222-31,227,223, AG deleted; deleting any 2 consecutive bases within chr17:31,227,220-31,227,223 gives the same sequence; the c. name uses the placement nearest the transcript's 3' end. VCF-style (leftmost placement, unchanged base first): chr17-31227219-AAG-A. GRCh37 (hg19) VCF-style: chr17-29554237-AAG-A.
Other names: c.2254_2255AG[1], p.Arg752Serfs (NM_000267.4); short protein forms R752fs.
Identifiers: ClinVar variation 947679 (VCV000947679.6), dbSNP rs2067030499, ClinGen allele CA2255561794.
Genomic context (GRCh38, chr17:31,227,219, plus strand): 5'-CTCCATTGGCAGGCAGGGCTCTAAGTGCAGTAACTTGATTTGCTGTTGTATTTGCTTAGG[AAG>A]AGCAGCACTTCAGAAAAGAGTGATGGCACTGCTGAGGCGCATTGAGCATCCCACTGCAGG-3'

ClinVar aggregate classification (germline): Pathogenic (1 of 4 stars; one submission).

Conditions:
Neurofibromatosis, type 1 (NF1). Also called: Peripheral type neurofibromatosis; Neurofibromatosis, type I; VON RECKLINGHAUSEN DISEASE; NEUROFIBROMATOSIS, TYPE I, SOMATIC. Identifiers: Orphanet 636, MedGen C0027831, MONDO:0018975, OMIM 162200. Disease mechanism: loss of function.

Submission:

Labcorp Genetics (formerly Invitae), Labcorp
Classification: Pathogenic for Neurofibromatosis, type 1. Last evaluated: 2019-04-04. Review status: criteria provided, single submitter. Criteria: Invitae Variant Classification Sherloc (09022015). Collection method: clinical testing. Allele origin: germline.
Comment: This sequence change creates a premature translational stop signal (p.Arg752Serfs*15) in the NF1 gene. It is expected to result in an absent or disrupted protein product. This variant is not present in population databases (ExAC no frequency). This variant has not been reported in the literature in individuals with NF1-related conditions. Loss-of-function variants in NF1 are known to be pathogenic (PMID: 10712197, 23913538). For these reasons, this variant has been classified as Pathogenic.

Literature cited by the submitters: PubMed 10712197; PubMed 23913538.